The following is an entry in ClinVar:

ClinVar aggregate classification (germline): Likely benign. Review status: criteria provided, multiple submitters, no conflicts (2 of 4 stars). 2 submissions from 2 submitters: Likely benign (2). Last evaluated 2025-04-01.

Conditions:
Inborn genetic diseases. Identifiers: MedGen C0950123, MeSH D030342.

Allele frequency attached by ClinVar (database versions not stated): gnomAD 0.00001; TOPMed 0.00001; gnomAD exomes 0.00004; ExAC 0.00006.
gnomAD v4.1: 64 of 1,613,948 alleles (0.004%); highest among the groups gnomAD compares: East Asian, 0.029%; no homozygotes.

Submissions (2):

CeGaT Center for Human Genetics Tuebingen
Classification: Likely benign. Last evaluated: 2025-04-01. Review status: criteria provided, single submitter. Criteria: CeGaT Center For Human Genetics Tuebingen Variant Classification Criteria Version 2. Collection method: clinical testing. Allele origin: germline. Affected: yes. Observed: 1 variant allele.
Comment: TANC2: BP4

Ambry Genetics
Classification: Likely benign for Inborn genetic diseases. Last evaluated: 2021-12-07. Review status: criteria provided, single submitter. Criteria: Ambry Variant Classification Scheme 2023. Collection method: clinical testing. Allele origin: germline.

NM_001394998.1(TANC2):c.5377G>A (p.Val1793Met)

Gene: TANC2 (tetratricopeptide repeat, ankyrin repeat and coiled-coil containing 2; plus strand). Cytogenetic location: 17q23.3.
Variant type: single nucleotide variant.
Coding change: c.5377G>A on transcript NM_001394998.1 (MANE Select); coding-DNA position 5377, G replaced by A.
Protein change: p.Val1793Met; replaces valine 1793 with methionine.
Molecular consequence: missense variant.
Genome position (GRCh38, 1-based): chr17:63,421,107, G>A. VCF-style: chr17-63421107-G-A. GRCh37 (hg19) VCF-style: chr17-61498468-G-A.
Other names: c.5155G>A, p.Val1719Met (NM_001411076.1); c.5125G>A, p.Val1709Met (NM_025185.4); short protein forms V1793M, V1709M, V1719M.
Identifiers: ClinVar variation 2341344 (VCV002341344.9), dbSNP rs527348146, ClinGen allele CA8698428.